The following is an entry in ClinVar:

ClinVar aggregate classification (germline): Uncertain significance (1 of 4 stars; one submission).

Conditions:
Kabuki syndrome 2 (KABUK2). Also called: KDM6A-Related Kabuki Syndrome. Identifiers: Orphanet 2322, MedGen C3275495, MONDO:0010465, OMIM 300867.

Submission:

Labcorp Genetics (formerly Invitae), Labcorp
Classification: Uncertain significance for Kabuki syndrome 2. Last evaluated: 2024-12-22. Review status: criteria provided, single submitter. Criteria: Invitae Variant Classification Sherloc (09022015). Collection method: clinical testing. Allele origin: germline.
Comment: This sequence change replaces cysteine, which is neutral and slightly polar, with phenylalanine, which is neutral and non-polar, at codon 384 of the KDM6A protein (p.Cys384Phe). This variant is not present in population databases (gnomAD no frequency). This variant has not been reported in the literature in individuals affected with KDM6A-related conditions. ClinVar contains an entry for this variant (Variation ID: 2837551). Invitae Evidence Modeling of protein sequence and biophysical properties (such as structural, functional, and spatial information, amino acid conservation, physicochemical variation, residue mobility, and thermodynamic stability) indicates that this missense variant is expected to disrupt KDM6A protein function with a positive predictive value of 80%. In summary, the available evidence is currently insufficient to determine the role of this variant in disease. Therefore, it has been classified as a Variant of Uncertain Significance.

NM_001291415.2(KDM6A):c.1151G>T (p.Cys384Phe)

Gene: KDM6A (lysine demethylase 6A; plus strand). Cytogenetic location: Xp11.3.
Variant type: single nucleotide variant.
Coding change: c.1151G>T on transcript NM_001291415.2 (MANE Select); coding-DNA position 1151, G replaced by T.
Protein change: p.Cys384Phe; replaces cysteine 384 with phenylalanine.
Molecular consequence: missense variant. On other transcripts: non-coding transcript variant (1).
Genome position (GRCh38, 1-based): chrX:45,059,423, G>T. VCF-style: chrX-45059423-G-T. GRCh37 (hg19) VCF-style: chrX-44918668-G-T.
Other names: c.1151G>T, p.Cys384Phe (NM_001291416.2, NM_001291417.2, NM_001291418.2 and 9 more transcripts); c.398G>T, p.Cys133Phe (NM_001291421.2); short protein forms C384F, C133F.
Identifiers: ClinVar variation 2837551 (VCV002837551.3), dbSNP rs746139050, ClinGen allele CA412782864.